The following is an entry in ClinVar:

ClinVar aggregate classification (germline): Pathogenic/Likely pathogenic. Review status: criteria provided, multiple submitters, no conflicts (2 of 4 stars). 3 submissions from 3 submitters: Pathogenic (2); Likely pathogenic (1). Last evaluated 2026-02-17.

Conditions:
Joubert syndrome. Also called: Familial aplasia of the vermis; JOUBERT-BOLTSHAUSER SYNDROME. Identifiers: Orphanet 475, MedGen C5979921, MONDO:0018772.
Joubert syndrome 3 (JBTS3). Also called: AHI1-related Ciliopathy. Identifiers: Orphanet 220493, MedGen C1837713, MONDO:0012078, OMIM 608629.

Submissions (3):

Myriad Genetics, Inc.
Classification: Pathogenic for Joubert syndrome 3. Last evaluated: 2026-02-17. Review status: criteria provided, single submitter. Criteria: Myriad Autosomal Dominant, Autosomal Recessive and X-Linked Classification Criteria (2023). Collection method: clinical testing. Allele origin: unknown.
Comment: NM_001134831.1(AHI1):c.108dupA(L37Tfs*5) is expected to be pathogenic in the context of Joubert syndrome, AHI1-related. This variant is predicted to lead to an abnormal or absent protein product due to the creation of a premature termination codon in AHI1, a gene where loss-of-function variants are known to be pathogenic. Please note: this variant was assessed in the context of healthy population screening.

Labcorp Genetics (formerly Invitae), Labcorp
Classification: Pathogenic for Joubert syndrome. Last evaluated: 2025-12-30. Review status: criteria provided, single submitter. Criteria: Invitae Variant Classification Sherloc (09022015). Collection method: clinical testing. Allele origin: germline.
Comment: This sequence change creates a premature translational stop signal (p.Leu37Thrfs*5) in the AHI1 gene. It is expected to result in an absent or disrupted protein product. Loss-of-function variants in AHI1 are known to be pathogenic (PMID: 15322546, 16453322, 28442542, 29186038). This variant is not present in population databases (gnomAD no frequency). This variant has not been reported in the literature in individuals affected with AHI1-related conditions. ClinVar contains an entry for this variant (Variation ID: 3593198). For these reasons, this variant has been classified as Pathogenic.

Fulgent Genetics
Classification: Likely pathogenic for Joubert syndrome 3. Last evaluated: 2024-01-05. Review status: criteria provided, single submitter. Criteria: ACMG Guidelines, 2015. Collection method: clinical testing. Allele origin: germline.

Literature cited by the submitters: PubMed 15322546 (cited by Labcorp Genetics (formerly Invitae), Labcorp); PubMed 16453322 (cited by Labcorp Genetics (formerly Invitae), Labcorp); PubMed 28442542 (cited by Labcorp Genetics (formerly Invitae), Labcorp); PubMed 29186038 (cited by Labcorp Genetics (formerly Invitae), Labcorp).

NM_001134831.2(AHI1):c.108dup (p.Leu37fs)

Gene: AHI1 (Abelson helper integration site 1; minus strand). Cytogenetic location: 6q23.3.
Variant type: Duplication.
Coding change: c.108dup on transcript NM_001134831.2 (MANE Select); coding-DNA position 108, one base duplicated (A; older notation c.108dupA).
Protein change: p.Leu37fs; shifts the reading frame from leucine 37.
Molecular consequence: frameshift variant.
Genome position (GRCh38, 1-based): chr6:135,490,650, T duplicated on the plus strand (A on the coding strand, the reverse complement: AHI1 is on the minus strand); the first of 6 consecutive T bases (chr6:135,490,650-135,490,655); duplicating any one gives the same sequence. VCF-style (leftmost placement, unchanged base first): chr6-135490649-G-GT. GRCh37 (hg19) VCF-style: chr6-135811787-G-GT.
Other names: c.108dup, p.Leu37fs (NM_001134830.2, NM_001134832.2, NM_001350503.2 and 2 more transcripts); c.108dup (NM_017651.4); short protein forms L37fs.
Identifiers: ClinVar variation 3593198 (VCV003593198.3).